The following is an entry in ClinVar:

NM_001197104.2(KMT2A):c.9255C>G (p.Asn3085Lys)

Gene: KMT2A (lysine methyltransferase 2A; plus strand). Cytogenetic location: 11q23.3.
Variant type: single nucleotide variant.
Coding change: c.9255C>G on transcript NM_001197104.2 (MANE Select); coding-DNA position 9255, C replaced by G.
Protein change: p.Asn3085Lys; replaces asparagine 3085 with lysine.
Molecular consequence: missense variant.
Genome position (GRCh38, 1-based): chr11:118,505,147, C>G. VCF-style: chr11-118505147-C-G. GRCh37 (hg19) VCF-style: chr11-118375862-C-G.
Other names: c.9345C>G, p.Asn3115Lys (NM_001412597.1); c.9246C>G, p.Asn3082Lys (NM_005933.4); short protein forms N3082K, N3115K, N3085K.
Identifiers: ClinVar variation 3634349 (VCV003634349.2).

ClinVar aggregate classification (germline): Uncertain significance (1 of 4 stars; one submission).

Submission:

Labcorp Genetics (formerly Invitae), Labcorp
Classification: Uncertain significance. Last evaluated: 2024-12-16. Review status: criteria provided, single submitter. Criteria: Invitae Variant Classification Sherloc (09022015). Collection method: clinical testing. Allele origin: germline.
Comment: This sequence change replaces asparagine, which is neutral and polar, with lysine, which is basic and polar, at codon 3085 of the KMT2A protein (p.Asn3085Lys). This variant is not present in population databases (gnomAD no frequency). This variant has not been reported in the literature in individuals affected with KMT2A-related conditions. Invitae Evidence Modeling of protein sequence and biophysical properties (such as structural, functional, and spatial information, amino acid conservation, physicochemical variation, residue mobility, and thermodynamic stability) indicates that this missense variant is not expected to disrupt KMT2A protein function with a negative predictive value of 95%. In summary, the available evidence is currently insufficient to determine the role of this variant in disease. Therefore, it has been classified as a Variant of Uncertain Significance.